The following is an entry in ClinVar:

ClinVar aggregate classification (germline): Conflicting classifications of pathogenicity. Review status: criteria provided, conflicting classifications (1 of 4 stars). 3 submissions from 3 submitters: Uncertain significance (2); Likely benign (1). Last evaluated 2026-03-05.

Conditions:
PLEC-related disorder. Also called: PLEC-related condition; PLEC-related disorders.

gnomAD v4.1: 31 of 1,603,986 alleles (0.0019%); highest among the groups gnomAD compares: East Asian, 0.0089%; no homozygotes.

Submissions (3):

PreventionGenetics, part of Exact Sciences
Classification: Uncertain significance for PLEC-related condition. Last evaluated: 2026-03-05. Review status: criteria provided, single submitter. Criteria: ACMG Guidelines, 2015. Collection method: clinical testing. Allele origin: germline.
Comment: The PLEC c.82C>G variant is predicted to result in the amino acid substitution p.Pro28Ala. To our knowledge, this variant has not been reported in the literature. This variant is reported in 0.042% of alleles in individuals of East Asian descent in gnomAD. At this time, the clinical significance of this variant is uncertain due to the absence of conclusive functional and genetic evidence.

Blueprint Genetics
Classification: Uncertain significance. Last evaluated: 2024-10-21. Review status: criteria provided, single submitter. Criteria: ACMG Guidelines, 2015. Collection method: clinical testing. Allele origin: germline.

Women's Health and Genetics/Laboratory Corporation of America, LabCorp
Classification: Likely benign. Last evaluated: 2024-07-12. Review status: criteria provided, single submitter. Criteria: LabCorp Variant Classification Summary - May 2015. Collection method: clinical testing. Allele origin: germline.
Comment: Variant summary: PLEC c.194-3742C>G is located at a position not widely known to affect splicing. Consensus agreement among computation tools predict no significant impact on normal splicing. However, these predictions have yet to be confirmed by functional studies. The variant allele was found at a frequency of 3.1e-05 in 223580 control chromosomes (gnomAD). The available data on variant occurrences in the general population are insufficient to allow any conclusion about variant significance. To our knowledge, no occurrence of c.194-3742C>G in individuals affected with PLEC-Related Disorders and no experimental evidence demonstrating its impact on protein function have been reported. No submitters have cited clinical-significance assessments for this variant to ClinVar. Based on the evidence outlined above, the variant was classified as likely benign.

NM_201378.4(PLEC):c.71-3742C>G

Genes: PLEC (plectin; minus strand), LOC130001342 (ATAC-STARR-seq lymphoblastoid silent region 19633; plus strand). Cytogenetic location: 8q24.3.
Variant type: single nucleotide variant.
Coding change: c.71-3742C>G on transcript NM_201378.4 (MANE Plus Clinical); 3742 bases into the intron before coding-DNA position 71, C replaced by G.
Molecular consequence: intron variant. On other transcripts: missense variant (1).
Genome position (GRCh38, 1-based): chr8:143,942,434, G>C on the plus strand (C>G on the coding strand, the complement: PLEC is on the minus strand). VCF-style: chr8-143942434-G-C. GRCh37 (hg19) VCF-style: chr8-145016602-G-C.
Other names: c.16+2214C>G (NM_201381.3); c.112+1345C>G (NM_201382.4); c.82C>G, p.Pro28Ala (NM_201383.3); c.194-3742C>G (NM_001410941.1, NM_000445.5); c.47-3742C>G (NM_201379.3); c.524-3742C>G (NM_201380.4); c.82C>G (NM_201383.2); short protein forms P28A.
Identifiers: ClinVar variation 3338901 (VCV003338901.3).